The following is an entry in ClinVar:

NM_152383.5(DIS3L2):c.316T>G (p.Leu106Val)

Gene: DIS3L2 (DIS3 like 3'-5' exoribonuclease 2; plus strand). Cytogenetic location: 2q37.1.
Variant type: single nucleotide variant.
Coding change: c.316T>G on transcript NM_152383.5 (MANE Select); coding-DNA position 316, T replaced by G.
Protein change: p.Leu106Val; replaces leucine 106 with valine.
Molecular consequence: missense variant. On other transcripts: non-coding transcript variant (2).
Genome position (GRCh38, 1-based): chr2:232,030,030, T>G. VCF-style: chr2-232030030-T-G. GRCh37 (hg19) VCF-style: chr2-232894740-T-G.
Other names: c.316T>G, p.Leu106Val (NM_001257281.2, NM_001257282.2); short protein forms L106V.
Identifiers: ClinVar variation 2169653 (VCV002169653.4), dbSNP rs1206646654, ClinGen allele CA351152949.

ClinVar aggregate classification (germline): Uncertain significance (1 of 4 stars; one submission).

Conditions:
Perlman syndrome (PRLMNS). Identifiers: Orphanet 2849, MedGen C0796113, MONDO:0009965, OMIM 267000.

Allele frequency attached by ClinVar (database versions not stated): gnomAD exomes below 0.00001; gnomAD 0.00001.
gnomAD v4.1: 2 of 1,610,774 alleles (0.00012%); highest among the groups gnomAD compares: Admixed American, 0.0034%; no homozygotes.

Submission:

Labcorp Genetics (formerly Invitae), Labcorp
Classification: Uncertain significance for Perlman syndrome. Last evaluated: 2023-02-01. Review status: criteria provided, single submitter. Criteria: Invitae Variant Classification Sherloc (09022015). Collection method: clinical testing. Allele origin: germline.
Comment: This variant has not been reported in the literature in individuals affected with DIS3L2-related conditions. Advanced modeling of protein sequence and biophysical properties (such as structural, functional, and spatial information, amino acid conservation, physicochemical variation, residue mobility, and thermodynamic stability) performed at Invitae indicates that this missense variant is not expected to disrupt DIS3L2 protein function. In summary, the available evidence is currently insufficient to determine the role of this variant in disease. Therefore, it has been classified as a Variant of Uncertain Significance. This variant is present in population databases (no rsID available, gnomAD 0.003%). This sequence change replaces leucine, which is neutral and non-polar, with valine, which is neutral and non-polar, at codon 106 of the DIS3L2 protein (p.Leu106Val).